The following is an entry in ClinVar:

ClinVar aggregate classification (germline): Uncertain significance (1 of 4 stars; one submission).

Conditions:
Gorlin syndrome. Also called: Nevoid Basal Cell Carcinoma Syndrome; Basal cell nevus syndrome. Identifiers: Orphanet 377, MedGen C0004779, MONDO:0007187.

Allele frequency attached by ClinVar (database versions not stated): gnomAD exomes 0.00001.
gnomAD v4.1: 13 of 1,614,180 alleles (0.00081%); highest among the groups gnomAD compares: Non-Finnish European, 0.001%; no homozygotes.

Submission:

Labcorp Genetics (formerly Invitae), Labcorp
Classification: Uncertain significance for Gorlin syndrome. Last evaluated: 2022-01-26. Review status: criteria provided, single submitter. Criteria: Invitae Variant Classification Sherloc (09022015). Collection method: clinical testing. Allele origin: germline.
Comment: In summary, the available evidence is currently insufficient to determine the role of this variant in disease. Therefore, it has been classified as a Variant of Uncertain Significance. Algorithms developed to predict the effect of missense changes on protein structure and function (SIFT, PolyPhen-2, Align-GVGD) all suggest that this variant is likely to be disruptive. This variant has not been reported in the literature in individuals affected with PTCH2-related conditions. This variant is present in population databases (no rsID available, gnomAD 0.0009%). This sequence change replaces proline, which is neutral and non-polar, with leucine, which is neutral and non-polar, at codon 522 of the PTCH2 protein (p.Pro522Leu).

NM_003738.5(PTCH2):c.1565C>T (p.Pro522Leu)

Gene: PTCH2 (patched 2; minus strand). Cytogenetic location: 1p34.1.
Variant type: single nucleotide variant.
Coding change: c.1565C>T on transcript NM_003738.5 (MANE Select); coding-DNA position 1565, C replaced by T.
Protein change: p.Pro522Leu; replaces proline 522 with leucine.
Molecular consequence: missense variant.
Genome position (GRCh38, 1-based): chr1:44,828,531, G>A on the plus strand (C>T on the coding strand, the complement: PTCH2 is on the minus strand). VCF-style: chr1-44828531-G-A. GRCh37 (hg19) VCF-style: chr1-45294203-G-A.
Other names: c.1565C>T, p.Pro522Leu (NM_001166292.2); short protein forms P522L.
Identifiers: ClinVar variation 1980360 (VCV001980360.4), dbSNP rs1490974921, ClinGen allele CA340100747.